The following is an entry in ClinVar:

ClinVar aggregate classification (germline): Uncertain significance (1 of 4 stars; one submission).

Conditions:
MAGEL2-related disorder. Also called: MAGEL2-related condition.

gnomAD v4.1: 1 of 1,514,630 alleles (0.000066%); highest among the groups gnomAD compares: Non-Finnish European, 0.000088%; no homozygotes.

Submission:

PreventionGenetics, part of Exact Sciences
Classification: Uncertain significance for MAGEL2-related condition. Last evaluated: 2024-12-27. Review status: criteria provided, single submitter. Criteria: ACMG Guidelines, 2015. Collection method: clinical testing. Allele origin: germline.
Comment: The MAGEL2 c.73C>T variant is predicted to result in the amino acid substitution p.Arg25Cys. To our knowledge, this variant has not been reported in the literature. This variant is reported in 0.0019% of alleles in individuals of European (Non-Finnish) descent in gnomAD. At this time, the clinical significance of this variant is uncertain due to the absence of conclusive functional and genetic evidence.

NM_019066.5(MAGEL2):c.73C>T (p.Arg25Cys)

Gene: MAGEL2 (MAGE family member L2; minus strand). Cytogenetic location: 15q11.2.
Variant type: single nucleotide variant.
Coding change: c.73C>T on transcript NM_019066.5 (MANE Select); coding-DNA position 73, C replaced by T.
Protein change: p.Arg25Cys; replaces arginine 25 with cysteine.
Molecular consequence: missense variant.
Genome position (GRCh38, 1-based): chr15:23,647,670, G>A on the plus strand (C>T on the coding strand, the complement: MAGEL2 is on the minus strand). VCF-style: chr15-23647670-G-A. GRCh37 (hg19) VCF-style: chr15-23892817-G-A.
Other names: short protein forms R25C.
Identifiers: ClinVar variation 4999670 (VCV004999670.1).